The following is an entry in ClinVar:

ClinVar aggregate classification (germline): Pathogenic (1 of 4 stars; one submission).

gnomAD v4.1: 2 of 1,546,458 alleles (0.00013%); highest among the groups gnomAD compares: Non-Finnish European, 0.00017%; no homozygotes.

Submission:

Labcorp Genetics (formerly Invitae), Labcorp
Classification: Pathogenic. Last evaluated: 2022-07-10. Review status: criteria provided, single submitter. Criteria: Invitae Variant Classification Sherloc (09022015). Collection method: clinical testing. Allele origin: germline.
Comment: For these reasons, this variant has been classified as Pathogenic. This sequence change creates a premature translational stop signal (p.Ser493*) in the IFT74 gene. It is expected to result in an absent or disrupted protein product. Loss-of-function variants in IFT74 are known to be pathogenic (PMID: 33531668). This variant is not present in population databases (gnomAD no frequency). This variant has not been reported in the literature in individuals affected with IFT74-related conditions.

Literature cited by the submitters: PubMed 33531668.

NM_025103.4(IFT74):c.1478C>A (p.Ser493Ter)

Gene: IFT74 (intraflagellar transport 74; plus strand). Cytogenetic location: 9p21.2.
Variant type: single nucleotide variant.
Coding change: c.1478C>A on transcript NM_025103.4 (MANE Select); coding-DNA position 1478, C replaced by A.
Protein change: p.Ser493Ter; replaces serine 493 with a stop codon.
Molecular consequence: nonsense.
Genome position (GRCh38, 1-based): chr9:27,055,753, C>A. VCF-style: chr9-27055753-C-A. GRCh37 (hg19) VCF-style: chr9-27055751-C-A.
Other names: c.1478C>A, p.Ser493Ter (NM_001099222.3, NM_001099223.3, NM_001349928.2); short protein forms S493*.
Identifiers: ClinVar variation 2128526 (VCV002128526.4), dbSNP rs1370374325, ClinGen allele CA373128374.
Genomic context (GRCh38, chr9:27,055,753, plus strand): 5'-AAATTAAGCAAATGACAACTGATCTGGAGATATATAATGATTTGCCAGCTTTAAAATCAT[C>A]AGGTGAAGAAAAGATAAAGGTAAATGTTAACCAAGTCTTACAGAATTACAATTCAGATTG-3'